The following is an entry in ClinVar:

NC_000019.9:g.(?_13363785)_(13363935_?)del

Gene: CACNA1A (calcium voltage-gated channel subunit alpha1 A; minus strand). Cytogenetic location: 19p13.2.
Variant type: Deletion.
Identifiers: ClinVar variation 3248497 (VCV003248497.1).

ClinVar aggregate classification (germline): Uncertain significance (1 of 4 stars; one submission).

Conditions:
Episodic ataxia type 2 (EA2). Also called: ATAXIA, EPISODIC, WITH NYSTAGMUS; ATAXIA, FAMILIAL PAROXYSMAL; CEREBELLAR ATAXIA, PAROXYSMAL, ACETAZOLAMIDE-RESPONSIVE; CEREBELLOPATHY, HEREDITARY PAROXYSMAL; EPISODIC ATAXIA, NYSTAGMUS-ASSOCIATED; ACETAZOLAMIDE-RESPONSIVE HEREDITARY PAROXYSMAL CEREBELLAR ATAXIA. Identifiers: Orphanet 97, MedGen C1720416, MONDO:0007163, OMIM 108500.
Developmental and epileptic encephalopathy, 42 (DEE42A). Also called: DEVELOPMENTAL AND EPILEPTIC ENCEPHALOPATHY 42A; EPILEPTIC ENCEPHALOPATHY, EARLY INFANTILE, 42A; Epileptic encephalopathy, early infantile, 42. Identifiers: MedGen C4310716, MONDO:0014917, OMIM 617106.

Submission:

Labcorp Genetics (formerly Invitae), Labcorp
Classification: Uncertain significance for Developmental and epileptic encephalopathy, 42; Episodic ataxia type 2. Last evaluated: 2023-01-14. Review status: criteria provided, single submitter. Criteria: Invitae Variant Classification Sherloc (09022015). Collection method: clinical testing. Allele origin: unknown.
Comment: In summary, the available evidence is currently insufficient to determine the role of this variant in disease. Therefore, it has been classified as a Variant of Uncertain Significance. This variant is a gross deletion of the genomic region encompassing exon(s) 30 of the CACNA1A gene. This variant would be expected to be in-frame, preserving the integrity of the reading frame. This variant has not been reported in the literature in individuals affected with CACNA1A-related conditions. Experimental studies and prediction algorithms are not available or were not evaluated, and the functional significance of this variant is currently unknown.